The following is an entry in ClinVar:

ClinVar aggregate classification (germline): Uncertain significance (1 of 4 stars; one submission).

gnomAD v4.1: 5 of 1,613,970 alleles (0.00031%); highest among the groups gnomAD compares: Non-Finnish European, 0.00042%; no homozygotes.

Submission:

Labcorp Genetics (formerly Invitae), Labcorp
Classification: Uncertain significance. Last evaluated: 2023-02-18. Review status: criteria provided, single submitter. Criteria: Invitae Variant Classification Sherloc (09022015). Collection method: clinical testing. Allele origin: germline.
Comment: In summary, the available evidence is currently insufficient to determine the role of this variant in disease. Therefore, it has been classified as a Variant of Uncertain Significance. Advanced modeling of protein sequence and biophysical properties (such as structural, functional, and spatial information, amino acid conservation, physicochemical variation, residue mobility, and thermodynamic stability) performed at Invitae indicates that this missense variant is expected to disrupt ZMIZ1 protein function. This variant has not been reported in the literature in individuals affected with ZMIZ1-related conditions. This variant is present in population databases (no rsID available, gnomAD 0.002%). This sequence change replaces arginine, which is basic and polar, with glycine, which is neutral and non-polar, at codon 618 of the ZMIZ1 protein (p.Arg618Gly).

NM_020338.4(ZMIZ1):c.1852C>G (p.Arg618Gly)

Gene: ZMIZ1 (zinc finger MIZ-type containing 1; plus strand). Cytogenetic location: 10q22.3.
Variant type: single nucleotide variant.
Coding change: c.1852C>G on transcript NM_020338.4 (MANE Select); coding-DNA position 1852, C replaced by G.
Protein change: p.Arg618Gly; replaces arginine 618 with glycine.
Molecular consequence: missense variant.
Genome position (GRCh38, 1-based): chr10:79,300,775, C>G. VCF-style: chr10-79300775-C-G. GRCh37 (hg19) VCF-style: chr10-81060532-C-G.
Other names: short protein forms R618G.
Identifiers: ClinVar variation 2788247 (VCV002788247.3), dbSNP rs1330300644, ClinGen allele CA377339131.